The following is an entry in ClinVar:

ClinVar aggregate classification (germline): Likely pathogenic (1 of 4 stars; one submission).

Conditions:
Mucolipidosis type II. Also called: ML II ALPHA/BETA; Mucolipidosis 2; ML 2; Inclusion cell disease; Leroy Disease; N-acetylglucosamine 1phosphotransferase deficiency. Identifiers: Orphanet 576, MedGen C2673377, MONDO:0009650, OMIM 252500.

Submission:

Natera, Inc.
Classification: Likely pathogenic for Mucolipidosis type II. Last evaluated: 2025-11-18. Review status: criteria provided, single submitter. Criteria: Natera Variant Classification Schema (03/2026). Collection method: clinical testing. Allele origin: germline.
Comment: The c.2213delC variant in GNPTAB is a frameshift variant predicted to shift the reading frame beginning at codon 738 and leads to a stop codon 3 codons downstream. This variant is expected to result in nonsense mediated decay, truncation, or a dysfunctional protein product. This variant is rare in the general population with a frequency below the threshold expected for the associated phenotype(s). Given the available evidence, this variant is classified as Likely Pathogenic.

NM_024312.5(GNPTAB):c.2213del (p.Ser738fs)

Gene: GNPTAB (N-acetylglucosamine-1-phosphate transferase subunits alpha and beta; minus strand). Cytogenetic location: 12q23.2.
Variant type: Deletion.
Coding change: c.2213del on transcript NM_024312.5 (MANE Select); coding-DNA position 2213, one base deleted (C; older notation c.2213delC).
Protein change: p.Ser738fs; shifts the reading frame from serine 738.
Molecular consequence: frameshift variant.
Genome position (GRCh38, 1-based): chr12:101,764,704, G deleted on the plus strand (C on the coding strand, the reverse complement: GNPTAB is on the minus strand). VCF-style (leftmost placement, unchanged base first): chr12-101764703-TG-T. GRCh37 (hg19) VCF-style: chr12-102158481-TG-T.
Other names: short protein forms S738fs.
Identifiers: ClinVar variation 4816141 (VCV004816141.1).
Genomic context (GRCh38, chr12:101,764,703, plus strand): 5'-TGTTTCATCTGTTATTATAGCTTGATTTTTTATTTTAGCATGCTGTGAGTTCATCAGAAA[TG>T]ATCTCAGCAAGGCTGACTTGGACAAATTGTATCCTTTCAAAGTGATGTCTCCATGTTCCA-3'